The following is an entry in ClinVar:

ClinVar aggregate classification (germline): Likely benign. Review status: criteria provided, single submitter (1 of 4 stars). 2 submissions from 2 submitters: Likely benign (1). 1 of the submissions does not count toward it. Last evaluated 2025-11-23.

Conditions:
C5-related disorder. Also called: C5-related condition.

Allele frequency attached by ClinVar (database versions not stated): ExAC 0.00009; gnomAD 0.00021; ESP Exome Variant Server 0.00023; TOPMed 0.00027.
gnomAD v4.1: 192 of 1,547,648 alleles (0.012%); highest among the groups gnomAD compares: African/African-American, 0.046%; 1 homozygote.

Submissions (2):

Labcorp Genetics (formerly Invitae), Labcorp
Classification: Likely benign. Last evaluated: 2025-11-23. Review status: criteria provided, single submitter. Criteria: Invitae Variant Classification Sherloc (09022015). Collection method: clinical testing. Allele origin: germline.

PreventionGenetics, part of Exact Sciences
Classification: Likely benign for C5-related condition. Last evaluated: 2019-08-08. Review status: no assertion criteria provided. Collection method: clinical testing. Allele origin: germline. Not counted in ClinVar's aggregate classification.
Comment: This variant is classified as likely benign based on ACMG/AMP sequence variant interpretation guidelines (Richards et al. 2015 PMID: 25741868, with internal and published modifications).

NM_001735.3(C5):c.573G>A (p.Pro191=)

Gene: C5 (complement C5; minus strand). Cytogenetic location: 9q33.2.
Variant type: single nucleotide variant.
Coding change: c.573G>A on transcript NM_001735.3 (MANE Select); coding-DNA position 573, G replaced by A.
Protein change: p.Pro191=; no amino-acid change (proline 191 retained).
Molecular consequence: synonymous variant.
Genome position (GRCh38, 1-based): chr9:121,034,814, C>T on the plus strand (G>A on the coding strand, the complement: C5 is on the minus strand). VCF-style: chr9-121034814-C-T. GRCh37 (hg19) VCF-style: chr9-123797092-C-T.
Other names: c.573G>A (NM_001735.2); c.591G>A, p.Pro197= (NM_001317163.2); c.573G>A, p.Pro191= (NM_001317164.2).
Identifiers: ClinVar variation 1521759 (VCV001521759.10), dbSNP rs144254021, ClinGen allele CA5218353.
Genomic context (GRCh38, chr9:121,034,814, plus strand): 5'-TTCACCAAAAGTTCCGTATGTGGTTTTATTAACAACTATTTTTACATACCTAGGATTAGA[C>T]GGAATCTTGAAGTCAGGAAAAGAGATAATTCCAATATGATCAATTTCTTCTACCATGTCA-3'
Protein context (NP_001726.2, residues 181-201): GIISFPDFKI[Pro191=]SNPRYGMWTI